The following is an entry in ClinVar:

NM_005188.4(CBL):c.1287C>G (p.Ile429Met)

Gene: CBL (Cbl proto-oncogene; plus strand). Cytogenetic location: 11q23.3.
Variant type: single nucleotide variant.
Coding change: c.1287C>G on transcript NM_005188.4 (MANE Select); coding-DNA position 1287, C replaced by G.
Protein change: p.Ile429Met; replaces isoleucine 429 with methionine.
Molecular consequence: missense variant.
Genome position (GRCh38, 1-based): chr11:119,278,569, C>G. VCF-style: chr11-119278569-C-G. GRCh37 (hg19) VCF-style: chr11-119149279-C-G.
Other names: short protein forms I429M.
Identifiers: ClinVar variation 3996045 (VCV003996045.1).

ClinVar aggregate classification (germline): Uncertain significance (1 of 4 stars; one submission).

Conditions:
Cardiovascular phenotype. Identifiers: MedGen CN230736.

gnomAD v4.1: 1 of 1,614,122 alleles (0.000062%); highest among the groups gnomAD compares: Non-Finnish European, 0.000085%; no homozygotes.

Submission:

Ambry Genetics
Classification: Uncertain significance for Cardiovascular phenotype. Last evaluated: 2025-05-05. Review status: criteria provided, single submitter. Criteria: Ambry Variant Classification Scheme 2023. Collection method: clinical testing. Allele origin: germline.
Comment: The p.I429M variant (also known as c.1287C>G), located in coding exon 9 of the CBL gene, results from a C to G substitution at nucleotide position 1287. The isoleucine at codon 429 is replaced by methionine, an amino acid with highly similar properties. This amino acid position is conserved. In addition, the in silico prediction for this alteration is inconclusive. Based on the available evidence, the clinical significance of this variant remains unclear.